The following is an entry in ClinVar:

ClinVar aggregate classification (germline): Pathogenic (1 of 4 stars; one submission).

Conditions:
Fanconi-Bickel syndrome (FBS). Also called: Glycogen storage disease due to GLUT2 deficiency; FANCONI SYNDROME WITH INTESTINAL MALABSORPTION AND GALACTOSE INTOLERANCE; HEPATIC GLYCOGENOSIS WITH AMINO ACIDURIA AND GLUCOSURIA; HEPATIC GLYCOGENOSIS WITH FANCONI NEPHROPATHY; HEPATORENAL GLYCOGENOSIS WITH RENAL FANCONI SYNDROME; PSEUDO-PHLORIZIN DIABETES. Identifiers: Orphanet 2088, MedGen C3495427, MONDO:0009216, OMIM 227810.

Submission:

Labcorp Genetics (formerly Invitae), Labcorp
Classification: Pathogenic for Fanconi-Bickel syndrome. Last evaluated: 2022-11-23. Review status: criteria provided, single submitter. Criteria: Invitae Variant Classification Sherloc (09022015). Collection method: clinical testing. Allele origin: germline.
Comment: For these reasons, this variant has been classified as Pathogenic. This variant has not been reported in the literature in individuals affected with SLC2A2-related conditions. This variant is not present in population databases (gnomAD no frequency). This sequence change creates a premature translational stop signal (p.Trp395Glyfs*2) in the SLC2A2 gene. It is expected to result in an absent or disrupted protein product. Loss-of-function variants in SLC2A2 are known to be pathogenic (PMID: 11810292).

Literature cited by the submitters: PubMed 11810292.

NM_000340.2(SLC2A2):c.1183del (p.Trp395fs)

Gene: SLC2A2 (solute carrier family 2 member 2; minus strand). Cytogenetic location: 3q26.2.
Variant type: Deletion.
Coding change: c.1183del on transcript NM_000340.2 (MANE Select); coding-DNA position 1183, one base deleted (T; older notation c.1183delT).
Protein change: p.Trp395fs; shifts the reading frame from tryptophan 395.
Molecular consequence: frameshift variant.
Genome position (GRCh38, 1-based): chr3:170,998,384, A deleted on the plus strand (T on the coding strand, the reverse complement: SLC2A2 is on the minus strand); the first of 2 consecutive A bases (chr3:170,998,384-170,998,385); deleting either gives the same sequence. VCF-style (leftmost placement, unchanged base first): chr3-170998383-CA-C. GRCh37 (hg19) VCF-style: chr3-170716172-CA-C.
Other names: c.826del, p.Trp276fs (NM_001278658.2); c.664del, p.Trp222fs (NM_001278659.2); short protein forms W222fs, W276fs, W395fs.
Identifiers: ClinVar variation 2815922 (VCV002815922.3), dbSNP rs2473882353, ClinGen allele CA2739278639.